The following is an entry in ClinVar:

ClinVar aggregate classification (germline): Uncertain significance (1 of 4 stars; one submission).

Conditions:
SIM1-related disorder. Also called: SIM1-related disorders; SIM1-related condition.

Submission:

PreventionGenetics, part of Exact Sciences
Classification: Uncertain significance for SIM1-related condition. Last evaluated: 2026-02-09. Review status: criteria provided, single submitter. Criteria: ACMG Guidelines, 2015. Collection method: clinical testing. Allele origin: germline.
Comment: The SIM1 c.1568A>C variant is predicted to result in the amino acid substitution p.His523Pro. To our knowledge, this variant has not been reported in the literature or in a large population database (gnomAD), indicating this variant is rare. At this time, the clinical significance of this variant is uncertain due to the absence of conclusive functional and genetic evidence.

NM_005068.3(SIM1):c.1568A>C (p.His523Pro)

Genes: SIM1 (SIM bHLH transcription factor 1; minus strand), SIM1-AS1 (SIM1 antisense RNA 1; plus strand). Cytogenetic location: 6q16.3.
Variant type: single nucleotide variant.
Coding change: c.1568A>C on transcript NM_005068.3 (MANE Select); coding-DNA position 1568, A replaced by C.
Protein change: p.His523Pro; replaces histidine 523 with proline.
Molecular consequence: missense variant. On other transcripts: non-coding transcript variant (1).
Genome position (GRCh38, 1-based): chr6:100,393,489, T>G on the plus strand (A>C on the coding strand, the complement: SIM1 is on the minus strand). VCF-style: chr6-100393489-T-G. GRCh37 (hg19) VCF-style: chr6-100841365-T-G.
Other names: c.1568A>C, p.His523Pro (NM_001374769.1); short protein forms H523P.
Identifiers: ClinVar variation 4987511 (VCV004987511.1).